The following is an entry in ClinVar:

ClinVar aggregate classification (germline): Pathogenic. Review status: criteria provided, multiple submitters, no conflicts (2 of 4 stars). 15 submissions from 15 submitters: Pathogenic (12). 3 of the submissions do not count toward it. Last evaluated 2026-04-02.

Conditions:
MYO7A-related disorder. Also called: MYO7A-related disorders.
Autosomal recessive nonsyndromic hearing loss 2. Also called: DEAFNESS, AUTOSOMAL RECESSIVE 2; NEUROSENSORY NONSYNDROMIC RECESSIVE DEAFNESS 2. Identifiers: Orphanet 90636, MedGen C1838701, MONDO:0010807, OMIM 600060.
Hearing loss, autosomal recessive. Also called: Nonsyndromic Hearing Loss, Recessive; Autosomal recessive nonsyndromic deafness; Deafness, autosomal recessive; Rare autosomal recessive non-syndromic sensorineural deafness type DFNB. Identifiers: Orphanet 90635, Orphanet 90636, MedGen C1846647, MONDO:0019588, OMIM 607197.
Rare genetic deafness. Identifiers: Orphanet 96210, MedGen C5680250.
Monogenic hearing loss.
Usher syndrome type 1 (USH1). Also called: RETINITIS PIGMENTOSA AND CONGENITAL DEAFNESS. Identifiers: Orphanet 231169, Orphanet 886, MedGen C1568247, MONDO:0010168, OMIM 276900.
Autosomal dominant nonsyndromic hearing loss 11. Identifiers: Orphanet 90635, MedGen C1832475, MONDO:0011032, OMIM 601317.

Allele frequency attached by ClinVar (database versions not stated): gnomAD exomes 0.00001 and 0.00002; ExAC 0.00004.
gnomAD v4.1: 14 of 1,613,518 alleles (0.00087%); highest among the groups gnomAD compares: Middle Eastern, 0.017%; no homozygotes.

Submissions (15):

GeneDx
Classification: Pathogenic. Last evaluated: 2026-04-02. Review status: criteria provided, single submitter. Criteria: GeneDx Variant Classification Process June 2021. Collection method: clinical testing. Allele origin: germline.
Comment: Nonsense variant predicted to result in protein truncation or nonsense mediated decay in a gene for which loss of function is a known mechanism of disease; This variant is associated with the following publications: (PMID: 25525159, 16963483, 29692870, 31479088, 31456290, 31541171, 31964843, 38219857)

PreventionGenetics, part of Exact Sciences
Classification: Pathogenic for MYO7A-related condition. Last evaluated: 2026-02-25. Review status: criteria provided, single submitter. Criteria: ACMG Guidelines, 2015. Collection method: clinical testing. Allele origin: germline.
Comment: The MYO7A c.1258A>T variant is predicted to result in premature protein termination (p.Lys420*). This variant has been reported in individuals with autosomal recessive MYO7A related disorders (Cremers et al. 2007. PubMed ID: 16963483; Chen et al. 2018. PubMed ID: 29692870; Table S1, Khateb et al. 2020. PubMed ID: 31479088). This variant is reported in 0.010% of alleles in individuals of Ashkenazi Jewish descent in gnomAD. Nonsense variants in MYO7A are expected to be pathogenic. This variant is interpreted as pathogenic.

3billion
Classification: Pathogenic for Usher syndrome type 1. Last evaluated: 2025-12-09. Review status: criteria provided, single submitter. Criteria: ACMG Guidelines, 2015. Collection method: clinical testing. Allele origin: germline. Affected: yes.
Comment: The variant is observed at an extremely low frequency in the gnomAD v4.1.0 dataset (total allele frequency: <0.001%). Predicted Consequence/Location: Stop-gained (nonsense): predicted to result in a loss or disruption of normal protein function through nonsense-mediated decay (NMD) or protein truncation. Multiple pathogenic variants are reported downstream of the variant. The variant has been reported at least twice as pathogenic with clinical assertions and evidence for the classification (ClinVar ID: VCV000504508 /PMID: 16963483). Therefore, this variant is classified as Pathogenic according to the recommendation of ACMG/AMP guideline.

Genetics Research Center, University of Social Welfare and Rehabilitation Sciences
Classification: Pathogenic for Autosomal recessive nonsyndromic hearing loss 2. Last evaluated: 2025-12-09. Review status: criteria provided, single submitter. Criteria: ACMG Guidelines, 2015. Collection method: research. Allele origin: germline. Affected: yes.
Comment: The variant is present at a very low frequency in the gnomAD v2.1.1 dataset (allele frequency: 0.002%) and has been reported in individual(s) affected with MYO7A-related hearing loss (PMID:29692870, 31389194, 22135276, 31479088, 8900236, 30303587, 23770805, 27460420, 25404053, 16963483). It is a stop-gain mutation expected to disrupt normal protein function either through nonsense-mediated decay (NMD) or by producing a truncated protein.

Genetics Laboratory, Great Ormond Street Hospital NHS Foundation Trust, North Thames Genomic Laboratory Hub
Classification: Pathogenic for Monogenic hearing loss. Last evaluated: 2025-10-08. Review status: criteria provided, single submitter. Criteria: ACGS Best Practice Guidelines for Variant Classification in Rare Disease 2024 v1.2. Collection method: clinical testing. Allele origin: germline. Affected: yes.
Comment: PM2_moderate, PVS1_very-strong, PP1_strong, PM3_moderate

Labcorp Genetics (formerly Invitae), Labcorp
Classification: Pathogenic. Last evaluated: 2025-04-30. Review status: criteria provided, single submitter. Criteria: Invitae Variant Classification Sherloc (09022015). Collection method: clinical testing. Allele origin: germline.
Comment: This sequence change creates a premature translational stop signal (p.Lys420*) in the MYO7A gene. It is expected to result in an absent or disrupted protein product. Loss-of-function variants in MYO7A are known to be pathogenic (PMID: 8900236, 25404053). This variant is present in population databases (rs782539587, gnomAD 0.01%). This premature translational stop signal has been observed in individuals with MYO7A-related conditions (PMID: 23770805, 29692870, 31479088). It has also been observed to segregate with disease in related individuals. ClinVar contains an entry for this variant (Variation ID: 504508). For these reasons, this variant has been classified as Pathogenic.

Variantyx, Inc.
Classification: Pathogenic for Autosomal recessive nonsyndromic hearing loss 2. Last evaluated: 2025-03-26. Review status: criteria provided, single submitter. Criteria: Variantyx Assertion Criteria 2022. Collection method: clinical testing. Allele origin: germline. Inheritance: Autosomal recessive inheritance.
Comment: This is a nonsense variant in the MYO7A gene (OMIM: 276903). Pathogenic variants in this gene have been associated with autosomal recessive deafness 2. This variant introduces a premature termination codon in exon 12 out of 49 and is expected to result in loss of function, which is a known disease mechanism for MYO7A in this disorder (PMID:8900236, 25404053) (PVS1). It has been reported in the homozygous or compound heterozygous state in at least 4 unrelated affected individuals (PMID: 22135276, 29692870, 31479088) (PM3) and has a 0.0093% maximum allele frequency in non-founder control populations (PM2). Based on the current evidence, this variant is classified as pathogenic for autosomal recessive deafness 2.

Fulgent Genetics
Classification: Pathogenic for Usher syndrome type 1; Autosomal recessive nonsyndromic hearing loss 2; Autosomal dominant nonsyndromic hearing loss 11. Last evaluated: 2024-04-15. Review status: criteria provided, single submitter. Criteria: ACMG Guidelines, 2015. Collection method: clinical testing. Allele origin: germline.

Blueprint Genetics
Classification: Pathogenic for MYO7A-related disorders. Last evaluated: 2024-03-19. Review status: criteria provided, single submitter. Criteria: ACMG Guidelines, 2015. Collection method: clinical testing. Allele origin: germline. Affected: yes. Observed: 3 variant alleles.

Genetics and Molecular Pathology, SA Pathology
Classification: Pathogenic for Usher syndrome type 1; Autosomal recessive nonsyndromic hearing loss 2; Autosomal dominant nonsyndromic hearing loss 11. Last evaluated: 2023-02-09. Review status: criteria provided, single submitter. Criteria: ACMG Guidelines, 2015. Collection method: clinical testing. Allele origin: germline. Inheritance: Autosomal recessive inheritance. Affected: yes.
Comment: The MYO7A c.1258A>T variant is classified as a PATHOGENIC variant (PVS1, PM3_Strong) This variant is a single nucleotide change in exon 12/49 of the MYO7A gene, which is predicted to result in premature termination of the protein product at codon 420, causing loss of normal protein function (PVS1). The variant has been reported homozygous or compound heterozygous with another pathogenic MYO7A variant in multiple unrelated individuals affected with hearing loss or Usher syndrome (PMID: 22135276, 23770805, 27460420, 29692870, 31479088) (PM3_Strong). The variant has been reported in dbSNP (rs782539587) but is rare in population databases (gmomAD v2: 4/124267, 0 homozygotes). The variant has been reported in ClinVar (Variation ID: #504508) and HGMD (Accession no.: CM071018) as pathogenic/disease causing.

CeGaT Center for Human Genetics Tuebingen
Classification: Pathogenic. Last evaluated: 2019-10-01. Review status: criteria provided, single submitter. Criteria: CeGaT Center For Human Genetics Tuebingen Variant Classification Criteria Version 2. Collection method: clinical testing. Allele origin: germline. Affected: yes. Observed: 1 variant allele.

Laboratory for Molecular Medicine, Mass General Brigham Personalized Medicine
Classification: Pathogenic for Rare genetic deafness. Last evaluated: 2017-07-11. Review status: criteria provided, single submitter. Criteria: LMM Criteria. Collection method: clinical testing. Allele origin: germline. Inheritance: Autosomal recessive inheritance. Observed: 3 variant alleles.
Comment: The p.Lys420X variant in MYO7A has been identified in the homozygous or compound heterozygous state in 6 individuals with clinical features of Usher syndrome (B onnet 2016, Le Quesne Stabej 2012, Shahzad 2013). In one study, this variant was identified in the homozygous state in 4 separate families of Pakistani descent with histories of consanguinity and segregated in over 10 affected family member s (Shahzad 2013). It has also been identified in 4/235612 chromosomes by the Gen ome Aggregation Database (gnomAD; dbSNP rs7825 39587); however, this frequency is low enough to be consistent with a carrier fr equency for recessive Usher syndrome. The p.Lys420X nonsense variant leads to a premature termination codon at position 420, which is predicted to lead to a tru ncated or absent protein. Loss of MYO7A gene function is an established disease mechanism for autosomal recessive Usher syndrome. In summary, this variant meet s criteria to be classified as pathogenic for autosomal recessive Usher syndrome based on the predicted impact of the variant, homozygosity and compound zygosit y in affected individuals, segregation evidence, and low frequency in the genera l population.

Sharon lab, Hadassah-Hebrew University Medical Center
Classification: Pathogenic for Usher syndrome type 1. Last evaluated: 2019-06-23. Review status: no assertion criteria provided. Collection method: research. Allele origin: inherited. Affected: yes. Not counted in ClinVar's aggregate classification.

Genetic Testing Center for Deafness, Department of Otolaryngology Head & Neck Surgery, Institute of Otolaryngology, Chinese PLA General Hospital
Classification: Pathogenic for Autosomal recessive nonsyndromic hearing loss 2. Last evaluated: 2019-02-26. Review status: no assertion criteria provided. Collection method: case-control. Allele origin: inherited. Affected: yes. Observed: 1 variant allele. Not counted in ClinVar's aggregate classification.

University of Washington Center for Mendelian Genomics, University of Washington
Classification: Likely pathogenic for non-syndromic autosomal recessive hearing loss. Review status: no assertion criteria provided. Collection method: research. Allele origin: inherited. Affected: yes. Not counted in ClinVar's aggregate classification.

Literature cited by the submitters: PubMed 16963483 (cited by 3 submitters); PubMed 29692870 (cited by 4 submitters); PubMed 31389194 (cited by Genetics Research Center, University of Social Welfare and Rehabilitation Sciences); PubMed 22135276 (cited by 4 submitters); PubMed 31479088 (cited by 4 submitters); PubMed 8900236 (cited by 3 submitters); PubMed 30303587 (cited by Genetics Research Center, University of Social Welfare and Rehabilitation Sciences and University of Washington Center for Mendelian Genomics, University of Washington); PubMed 23770805 (cited by 4 submitters); PubMed 27460420 (cited by 3 submitters); PubMed 25404053 (cited by 3 submitters).

NM_000260.4(MYO7A):c.1258A>T (p.Lys420Ter)

Gene: MYO7A (myosin VIIA; plus strand). Cytogenetic location: 11q13.5.
Variant type: single nucleotide variant.
Coding change: c.1258A>T on transcript NM_000260.4 (MANE Select); coding-DNA position 1258, A replaced by T.
Protein change: p.Lys420Ter; replaces lysine 420 with a stop codon.
Molecular consequence: nonsense.
Genome position (GRCh38, 1-based): chr11:77,161,030, A>T. VCF-style: chr11-77161030-A-T. GRCh37 (hg19) VCF-style: chr11-76872076-A-T.
Other names: c.1258A>T, p.Lys420Ter (NM_001127180.2); c.1225A>T, p.Lys409Ter (NM_001369365.1); short protein forms K420*, K409*.
Identifiers: ClinVar variation 504508 (VCV000504508.61), dbSNP rs782539587, ClinGen allele CA6197439.
Genomic context (GRCh38, chr11:77,161,030, plus strand): 5'-CAGGGGATCTACGGGCGGCTGTTCGTGTGGATTGTGGACAAGATCAACGCAGCAATTTAC[A>T]AGCCTCCCTCCCAGGATGTGAAGAACTCTCGCAGGTCCATCGGCCTCCTGGACATCTTTG-3'